The following is an entry in ClinVar:

NM_006939.4(SOS2):c.2953A>G (p.Met985Val)

Gene: SOS2 (SOS Ras/Rho guanine nucleotide exchange factor 2; minus strand). Cytogenetic location: 14q21.3.
Variant type: single nucleotide variant.
Coding change: c.2953A>G on transcript NM_006939.4 (MANE Select); coding-DNA position 2953, A replaced by G.
Protein change: p.Met985Val; replaces methionine 985 with valine.
Molecular consequence: missense variant.
Genome position (GRCh38, 1-based): chr14:50,138,617, T>C on the plus strand (A>G on the coding strand, the complement: SOS2 is on the minus strand). VCF-style: chr14-50138617-T-C. GRCh37 (hg19) VCF-style: chr14-50605335-T-C.
Other names: c.2854A>G, p.Met952Val (NM_001411020.1); short protein forms M952V, M985V.
Identifiers: ClinVar variation 1712752 (VCV001712752.5), dbSNP rs971098217, ClinGen allele CA260719228.
Genomic context (GRCh38, chr14:50,138,617, plus strand): 5'-TTTTTGGTACCCATTAACACGTTCTCTTCTAAAGATATGCAAAGAAAATATTTACCCTCA[T>C]ATCTGGTTCTATCCGTAAACAGTAAGGCTGATTCTGATACTGCTGAATTTCTCCAGTAAT-3'
Protein context (NP_008870.2, residues 975-995): QPYCLRIEPD[Met985Val]RRFFENLNPM

ClinVar aggregate classification (germline): Uncertain significance. Review status: criteria provided, multiple submitters, no conflicts (2 of 4 stars). 2 submissions from 2 submitters: Uncertain significance (2). Last evaluated 2024-01-08.

Conditions:
Noonan syndrome 9 (NS9). Identifiers: Orphanet 648, MedGen C4225282, MONDO:0014691, OMIM 616559.

Allele frequency attached by ClinVar (database versions not stated): TOPMed below 0.00001.

Submissions (2):

Labcorp Genetics (formerly Invitae), Labcorp
Classification: Uncertain significance for Noonan syndrome 9. Last evaluated: 2024-01-08. Review status: criteria provided, single submitter. Criteria: Invitae Variant Classification Sherloc (09022015). Collection method: clinical testing. Allele origin: germline.
Comment: This sequence change replaces methionine, which is neutral and non-polar, with valine, which is neutral and non-polar, at codon 985 of the SOS2 protein (p.Met985Val). This variant is not present in population databases (gnomAD no frequency). This variant has not been reported in the literature in individuals affected with SOS2-related conditions. ClinVar contains an entry for this variant (Variation ID: 1712752). Advanced modeling of protein sequence and biophysical properties (such as structural, functional, and spatial information, amino acid conservation, physicochemical variation, residue mobility, and thermodynamic stability) performed at Invitae indicates that this missense variant is not expected to disrupt SOS2 protein function with a negative predictive value of 95%. In summary, the available evidence is currently insufficient to determine the role of this variant in disease. Therefore, it has been classified as a Variant of Uncertain Significance.

GeneDx
Classification: Uncertain significance. Last evaluated: 2022-04-28. Review status: criteria provided, single submitter. Criteria: GeneDx Variant Classification Process June 2021. Collection method: clinical testing. Allele origin: germline. Affected: yes.
Comment: Not observed at significant frequency in large population cohorts (gnomAD); In silico analysis supports that this missense variant does not alter protein structure/function, but supports a deleterious effect on splicing. In the absence of RNA/functional studies, the actual effect of this sequence change is unknown; Has not been previously published as pathogenic or benign to our knowledge